The following is an entry in ClinVar:

ClinVar aggregate classification (germline): Uncertain significance (1 of 4 stars; one submission).

Conditions:
Cardiovascular phenotype. Identifiers: MedGen CN230736.

Submission:

Ambry Genetics
Classification: Uncertain significance for Cardiovascular phenotype. Last evaluated: 2026-04-08. Review status: criteria provided, single submitter. Criteria: Ambry Variant Classification Scheme 2023. Collection method: clinical testing. Allele origin: germline.
Comment: The p.K125R variant (also known as c.374A>G), located in coding exon 2 of the SCN10A gene, results from an A to G substitution at nucleotide position 374. The lysine at codon 125 is replaced by arginine, an amino acid with highly similar properties. This amino acid position is well conserved in available vertebrate species. In addition, this alteration is predicted to be tolerated by in silico analysis. The evidence for this gene-disease relationship is limited; therefore, the clinical significance of this variant is unclear.

NM_006514.4(SCN10A):c.374A>G (p.Lys125Arg)

Gene: SCN10A (sodium voltage-gated channel alpha subunit 10; minus strand). Cytogenetic location: 3p22.2.
Variant type: single nucleotide variant.
Coding change: c.374A>G on transcript NM_006514.4 (MANE Select); coding-DNA position 374, A replaced by G.
Protein change: p.Lys125Arg; replaces lysine 125 with arginine.
Molecular consequence: missense variant.
Genome position (GRCh38, 1-based): chr3:38,792,065, T>C on the plus strand (A>G on the coding strand, the complement: SCN10A is on the minus strand). VCF-style: chr3-38792065-T-C. GRCh37 (hg19) VCF-style: chr3-38833556-T-C.
Other names: c.374A>G, p.Lys125Arg (NM_001293306.2, NM_001293307.2); short protein forms K125R.
Identifiers: ClinVar variation 4864096 (VCV004864096.1).